The following is an entry in ClinVar:

NM_133259.4(LRPPRC):c.638T>C (p.Ile213Thr)

Gene: LRPPRC (leucine rich pentatricopeptide repeat containing; minus strand). Cytogenetic location: 2p21.
Variant type: single nucleotide variant.
Coding change: c.638T>C on transcript NM_133259.4 (MANE Select); coding-DNA position 638, T replaced by C.
Protein change: p.Ile213Thr; replaces isoleucine 213 with threonine.
Molecular consequence: missense variant.
Genome position (GRCh38, 1-based): chr2:43,977,006, A>G on the plus strand (T>C on the coding strand, the complement: LRPPRC is on the minus strand). VCF-style: chr2-43977006-A-G. GRCh37 (hg19) VCF-style: chr2-44204145-A-G.
Other names: short protein forms I213T.
Identifiers: ClinVar variation 1469747 (VCV001469747.6), dbSNP rs1261903901, ClinGen allele CA346675529.
Genomic context (GRCh38, chr2:43,977,006, plus strand): 5'-CAAAATGTACAAATTTGTTCGCTTAAACATGTTCATACAGATCCATACCTGGCACCTTCA[A>G]TATCTCCTACATTACAATAAGAAGCAATCAATCTCTGGTATGTCACCTGTCAATGAAATG-3'
Protein context (NP_573566.2, residues 203-223): LIASYCNVGD[Ile213Thr]EGASKILGFM

ClinVar aggregate classification (germline): Uncertain significance (1 of 4 stars; one submission).

Allele frequency attached by ClinVar (database versions not stated): gnomAD exomes below 0.00001; TOPMed 0.00001; gnomAD 0.00001.
gnomAD v4.1: 5 of 1,613,150 alleles (0.00031%); highest among the groups gnomAD compares: African/African-American, 0.0013%; no homozygotes.

Submission:

Labcorp Genetics (formerly Invitae), Labcorp
Classification: Uncertain significance. Last evaluated: 2021-06-01. Review status: criteria provided, single submitter. Criteria: Invitae Variant Classification Sherloc (09022015). Collection method: clinical testing. Allele origin: germline.
Comment: Algorithms developed to predict the effect of missense changes on protein structure and function are either unavailable or do not agree on the potential impact of this missense change (SIFT: "Deleterious"; PolyPhen-2: "Probably Damaging"; Align-GVGD: "Class C0"). This variant has not been reported in the literature in individuals with LRPPRC-related conditions. This variant is not present in population databases (ExAC no frequency). This sequence change replaces isoleucine with threonine at codon 213 of the LRPPRC protein (p.Ile213Thr). The isoleucine residue is highly conserved and there is a moderate physicochemical difference between isoleucine and threonine. In summary, the available evidence is currently insufficient to determine the role of this variant in disease. Therefore, it has been classified as a Variant of Uncertain Significance.